The following is an entry in ClinVar:

NM_001083619.3(GRIA2):c.1418C>T (p.Ala473Val)

Gene: GRIA2 (glutamate ionotropic receptor AMPA type subunit 2; plus strand). Cytogenetic location: 4q32.1.
Variant type: single nucleotide variant.
Coding change: c.1418C>T on transcript NM_001083619.3 (MANE Select); coding-DNA position 1418, C replaced by T.
Protein change: p.Ala473Val; replaces alanine 473 with valine.
Molecular consequence: missense variant.
Genome position (GRCh38, 1-based): chr4:157,335,822, C>T. VCF-style: chr4-157335822-C-T. GRCh37 (hg19) VCF-style: chr4-158256974-C-T.
Other names: c.1418C>T, p.Ala473Val (NM_000826.6); c.1277C>T, p.Ala426Val (NM_001083620.3, NM_001379000.3, NM_001379001.3); short protein forms A426V, A473V.
Identifiers: ClinVar variation 985452 (VCV000985452.4), dbSNP rs1735258964, ClinGen allele CA358647724.
Genomic context (GRCh38, chr4:157,335,822, plus strand): 5'-TCGCCAAACATTGTGGGTTCAAGTACAAGTTGACAATTGTTGGTGATGGCAAGTATGGGG[C>T]CAGGGATGCAGACACGAAAATTTGGAATGGGATGGTTGGAGAACTTGTATATGGGGTAAG-3'
Protein context (NP_001077088.2, residues 463-483): LTIVGDGKYG[Ala473Val]RDADTKIWNG

ClinVar aggregate classification (germline): Uncertain significance (1 of 4 stars; one submission).

Conditions:
Inborn genetic diseases. Identifiers: MedGen C0950123, MeSH D030342.

Submission:

Ambry Genetics
Classification: Uncertain significance for Inborn genetic diseases. Last evaluated: 2020-04-09. Review status: criteria provided, single submitter. Criteria: Ambry Variant Classification Scheme 2023. Collection method: clinical testing. Allele origin: germline.
Comment: The alteration results in an amino acid change:_x000D_ _x000D_ The c.1418C>T (p.A473V) alteration is located in coding exon 10 of the GRIA2 gene. This alteration results from a C to T substitution at nucleotide position 1418, causing the alanine (A) at amino acid position 473 to be replaced by a valine (V). The alteration is not observed in population databases:_x000D_ _x000D_ Based on data from the Genome Aggregation Database (gnomAD), the GRIA2 c.1418C>T alteration was not observed, with coverage at this position. The altered amino acid is conserved throughout evolution:_x000D_ _x000D_ The p.A473 amino acid is conserved in available vertebrate species. The alteration is predicted tolerated by in silico modeling:_x000D_ _x000D_ The p.A473V alteration is predicted to be tolerated by in silico analysis. Based on insufficient or conflicting evidence, the clinical significance of this alteration remains unclear.